The following is an entry in ClinVar:

ClinVar aggregate classification (germline): Uncertain significance (1 of 4 stars; one submission).

Submission:

GeneDx
Classification: Uncertain significance. Last evaluated: 2024-11-08. Review status: criteria provided, single submitter. Criteria: GeneDx Variant Classification Process June 2021. Collection method: clinical testing. Allele origin: germline. Affected: yes.
Comment: In silico analysis indicates that this missense variant does not alter protein structure/function; Has not been previously published as pathogenic or benign to our knowledge; This variant is associated with the following publications: (PMID: 25439726, 24388491, 22965130)

NM_002180.3(IGHMBP2):c.1588G>A (p.Val530Ile)

Genes: IGHMBP2 (immunoglobulin mu DNA binding protein 2; plus strand), LOC126861245 (CDK7 strongly-dependent group 2 enhancer GRCh37_chr11:68701479-68702678; plus strand). Cytogenetic location: 11q13.3.
Variant type: single nucleotide variant.
Coding change: c.1588G>A on transcript NM_002180.3 (MANE Select); coding-DNA position 1588, G replaced by A.
Protein change: p.Val530Ile; replaces valine 530 with isoleucine.
Molecular consequence: missense variant.
Genome position (GRCh38, 1-based): chr11:68,934,514, G>A. VCF-style: chr11-68934514-G-A. GRCh37 (hg19) VCF-style: chr11-68701982-G-A.
Other names: short protein forms V530I.
Identifiers: ClinVar variation 3899130 (VCV003899130.1).